The following is an entry in ClinVar:

NM_005198.5(CHKB):c.506C>T (p.Thr169Met)

Genes: CHKB (choline kinase beta; minus strand), CHKB-CPT1B (CHKB-CPT1B readthrough (NMD candidate); minus strand). Cytogenetic location: 22q13.33.
Variant type: single nucleotide variant.
Coding change: c.506C>T on transcript NM_005198.5 (MANE Select); coding-DNA position 506, C replaced by T.
Protein change: p.Thr169Met; replaces threonine 169 with methionine.
Molecular consequence: missense variant. On other transcripts: non-coding transcript variant (1).
Genome position (GRCh38, 1-based): chr22:50,581,495, G>A on the plus strand (C>T on the coding strand, the complement: CHKB is on the minus strand). VCF-style: chr22-50581495-G-A. GRCh37 (hg19) VCF-style: chr22-51019924-G-A.
Other names: short protein forms T169M.
Identifiers: ClinVar variation 4076789 (VCV004076789.1).

ClinVar aggregate classification (germline): Uncertain significance (1 of 4 stars; one submission).

Submission:

GeneDx
Classification: Uncertain significance. Last evaluated: 2025-02-24. Review status: criteria provided, single submitter. Criteria: GeneDx Variant Classification Process June 2021. Collection method: clinical testing. Allele origin: germline. Affected: yes.
Comment: Not observed at significant frequency in large population cohorts (gnomAD); In silico analysis indicates that this missense variant does not alter protein structure/function; Has not been previously published as pathogenic or benign to our knowledge